The following is an entry in ClinVar:

ClinVar aggregate classification (germline): Uncertain significance (1 of 4 stars; one submission).

Allele frequency attached by ClinVar (database versions not stated): gnomAD exomes 0.00002; gnomAD 0.00003; TOPMed 0.00006; ExAC 0.00007; 1000 Genomes Project 30x 0.00016; 1000 Genomes Project 0.00020.
gnomAD v4.1: 50 of 1,614,132 alleles (0.0031%); highest among the groups gnomAD compares: East Asian, 0.071%; no homozygotes.

Submission:

Labcorp Genetics (formerly Invitae), Labcorp
Classification: Uncertain significance. Last evaluated: 2025-01-16. Review status: criteria provided, single submitter. Criteria: Invitae Variant Classification Sherloc (09022015). Collection method: clinical testing. Allele origin: germline.
Comment: This sequence change replaces asparagine, which is neutral and polar, with serine, which is neutral and polar, at codon 72 of the NDUFA12 protein (p.Asn72Ser). This variant is present in population databases (rs183579321, gnomAD 0.1%). This variant has not been reported in the literature in individuals affected with NDUFA12-related conditions. ClinVar contains an entry for this variant (Variation ID: 2171013). An algorithm developed to predict the effect of missense changes on protein structure and function (PolyPhen-2) suggests that this variant is likely to be disruptive. In summary, the available evidence is currently insufficient to determine the role of this variant in disease. Therefore, it has been classified as a Variant of Uncertain Significance.

NM_018838.5(NDUFA12):c.215A>G (p.Asn72Ser)

Gene: NDUFA12 (NADH:ubiquinone oxidoreductase subunit A12; minus strand). Cytogenetic location: 12q22.
Variant type: single nucleotide variant.
Coding change: c.215A>G on transcript NM_018838.5 (MANE Select); coding-DNA position 215, A replaced by G.
Protein change: p.Asn72Ser; replaces asparagine 72 with serine.
Molecular consequence: missense variant. On other transcripts: intron variant (1).
Genome position (GRCh38, 1-based): chr12:94,994,212, T>C on the plus strand (A>G on the coding strand, the complement: NDUFA12 is on the minus strand). VCF-style: chr12-94994212-T-C. GRCh37 (hg19) VCF-style: chr12-95387988-T-C.
Other names: c.169+8527A>G (NM_001258338.2); short protein forms N72S.
Identifiers: ClinVar variation 2171013 (VCV002171013.3), dbSNP rs183579321, ClinGen allele CA6722574.